The following is an entry in ClinVar:

NM_001385012.1(NBEA):c.6586G>A (p.Val2196Ile)

Gene: NBEA (neurobeachin; plus strand). Cytogenetic location: 13q13.3.
Variant type: single nucleotide variant.
Coding change: c.6586G>A on transcript NM_001385012.1 (MANE Select); coding-DNA position 6586, G replaced by A.
Protein change: p.Val2196Ile; replaces valine 2196 with isoleucine.
Molecular consequence: missense variant. On other transcripts: 5 prime UTR variant (1).
Genome position (GRCh38, 1-based): chr13:35,550,477, G>A. VCF-style: chr13-35550477-G-A. GRCh37 (hg19) VCF-style: chr13-36124614-G-A.
Other names: c.6586G>A, p.Val2196Ile (NM_015678.5); c.-36G>A (NM_001204197.3); c.6577G>A, p.Val2193Ile (NM_001379245.1); short protein forms V2193I, V2196I.
Identifiers: ClinVar variation 3341831 (VCV003341831.16).
Genomic context (GRCh38, chr13:35,550,477, plus strand): 5'-GAGTAGATCTTAAATCCATATTTTATTGATTGACACTTCCCTTTAAACTGTTTATTTTAG[G>A]TTCTTGCATACACTGAGGGACTTCACGGAAAATGGATGTTCAGCGAGATACGAGCTGTAT-3'
Protein context (NP_001371941.1, residues 2186-2206): DSAFKKIDTK[Val2196Ile]LAYTEGLHGK

ClinVar aggregate classification (germline): Likely benign (1 of 4 stars; one submission).

gnomAD v4.1: 54 of 1,588,492 alleles (0.0034%); highest among the groups gnomAD compares: Non-Finnish European, 0.004%; no homozygotes.

Submission:

CeGaT Center for Human Genetics Tuebingen
Classification: Likely benign. Last evaluated: 2026-05-01. Review status: criteria provided, single submitter. Criteria: CeGaT Center For Human Genetics Tuebingen Variant Classification Criteria Version 2. Collection method: clinical testing. Allele origin: germline. Affected: yes. Observed: 2 variant alleles.
Comment: NBEA: BP4